The following is an entry in ClinVar:

NM_001134673.4(NFIA):c.889C>T (p.Gln297Ter)

Gene: NFIA (nuclear factor I A; plus strand). Cytogenetic location: 1p31.3.
Variant type: single nucleotide variant.
Coding change: c.889C>T on transcript NM_001134673.4 (MANE Select); coding-DNA position 889, C replaced by T.
Protein change: p.Gln297Ter; replaces glutamine 297 with a stop codon.
Molecular consequence: nonsense.
Genome position (GRCh38, 1-based): chr1:61,359,217, C>T. VCF-style: chr1-61359217-C-T. GRCh37 (hg19) VCF-style: chr1-61824889-C-T.
Other names: c.865C>T, p.Gln289Ter (NM_001145511.2); c.1024C>T, p.Gln342Ter (NM_001145512.2); c.889C>T, p.Gln297Ter (NM_005595.5); short protein forms Q289*, Q297*, Q342*.
Identifiers: ClinVar variation 2578576 (VCV002578576.25), dbSNP rs2525137108, ClinGen allele CA340588159.

ClinVar aggregate classification (germline): Pathogenic (1 of 4 stars; one submission).

Submission:

CeGaT Center for Human Genetics Tuebingen
Classification: Pathogenic. Last evaluated: 2023-08-01. Review status: criteria provided, single submitter. Criteria: CeGaT Center For Human Genetics Tuebingen Variant Classification Criteria Version 2. Collection method: clinical testing. Allele origin: germline. Affected: yes. Observed: 1 variant allele.
Comment: NFIA: PVS1, PS2, PM2